The following is an entry in ClinVar:

ClinVar aggregate classification (germline): Uncertain significance. Review status: criteria provided, multiple submitters, no conflicts (2 of 4 stars). 3 submissions from 3 submitters: Uncertain significance (3). Last evaluated 2022-12-25.

Conditions:
Spastic paraplegia. Identifiers: MedGen C0037772, HP:0001258.
Hereditary spastic paraplegia 12 (SPG12). Also called: SPASTIC PARAPLEGIA 12, AUTOSOMAL DOMINANT. Identifiers: Orphanet 100993, MedGen C1858106, MONDO:0011489, OMIM 604805.

Allele frequency attached by ClinVar (database versions not stated): gnomAD exomes 0.00003 and 0.00005; ExAC 0.00005; gnomAD 0.00005 and 0.00006; TOPMed 0.00007.

Submissions (3):

Labcorp Genetics (formerly Invitae), Labcorp
Classification: Uncertain significance for Spastic paraplegia. Last evaluated: 2022-12-25. Review status: criteria provided, single submitter. Criteria: Invitae Variant Classification Sherloc (09022015). Collection method: clinical testing. Allele origin: germline.
Comment: In summary, the available evidence is currently insufficient to determine the role of this variant in disease. Therefore, it has been classified as a Variant of Uncertain Significance. Algorithms developed to predict the effect of missense changes on protein structure and function output the following: SIFT: "Tolerated"; PolyPhen-2: "Not Available"; Align-GVGD: "Class C0". The proline amino acid residue is found in multiple mammalian species, which suggests that this missense change does not adversely affect protein function. ClinVar contains an entry for this variant (Variation ID: 841510). This variant has not been reported in the literature in individuals affected with RTN2-related conditions. This variant is present in population databases (rs779865623, gnomAD 0.01%). This sequence change replaces serine, which is neutral and polar, with proline, which is neutral and non-polar, at codon 540 of the RTN2 protein (p.Ser540Pro).

Laboratorio de Genetica e Diagnostico Molecular, Hospital Israelita Albert Einstein
Classification: Uncertain significance for Hereditary spastic paraplegia 12. Last evaluated: 2022-11-28. Review status: criteria provided, single submitter. Criteria: ACMG Guidelines, 2015. Collection method: clinical testing. Allele origin: germline. Affected: yes.
Comment: ACMG classification criteria: BP4 supporting

Athena Diagnostics
Classification: Uncertain significance. Last evaluated: 2021-11-24. Review status: criteria provided, single submitter. Criteria: Athena Diagnostics Criteria. Collection method: clinical testing. Allele origin: unknown.

NM_005619.5(RTN2):c.1618T>C (p.Ser540Pro)

Genes: OPA3-RTN2 (OPA3-RTN2 readthrough; minus strand), RTN2 (reticulon 2; minus strand). Cytogenetic location: 19q13.32.
Variant type: single nucleotide variant.
Coding change: c.1618T>C on transcript NM_005619.5 (MANE Select); coding-DNA position 1618, T replaced by C.
Protein change: p.Ser540Pro; replaces serine 540 with proline.
Molecular consequence: missense variant.
Genome position (GRCh38, 1-based): chr19:45,485,728, A>G on the plus strand (T>C on the coding strand, the complement: RTN2 is on the minus strand). VCF-style: chr19-45485728-A-G. GRCh37 (hg19) VCF-style: chr19-45988986-A-G.
Other names: c.1399T>C, p.Ser467Pro (NM_206900.3); c.598T>C, p.Ser200Pro (NM_206901.3); short protein forms S540P, S200P, S467P.
Identifiers: ClinVar variation 841510 (VCV000841510.10), dbSNP rs779865623, ClinGen allele CA9515889.
Genomic context (GRCh38, chr19:45,485,728, plus strand): 5'-GGGGCTGGGGGCAGGCGTCCTGCGGGCAGAGACACCGTTCTCATTCGGCTTTGGCTTTGG[A>G]TCCGGAGACTGCGGCTGCTGCAGAGGCCAGGGCTCCGGTCCCTGGGATTTTAGCTCGGAT-3'
Protein context (NP_005610.1, residues 530-545): LASAAAAVSG[Ser540Pro]KAKAE